The following is an entry in ClinVar:

ClinVar aggregate classification (germline): Conflicting classifications of pathogenicity. Review status: criteria provided, conflicting classifications (1 of 4 stars). 6 submissions from 6 submitters: Uncertain significance (2); Likely benign (4). Last evaluated 2026-04-01.

Conditions:
Achondrogenesis, type IA (ACG1A). Identifiers: Orphanet 932, Orphanet 93299, MedGen C0265273, MONDO:0008701, OMIM 200600.

Allele frequency attached by ClinVar (database versions not stated): ESP Exome Variant Server 0.00015; 1000 Genomes Project 30x 0.00016; TOPMed 0.00043; ExAC 0.00047; gnomAD 0.00048 and 0.00049; gnomAD exomes 0.00050 and 0.00056.
gnomAD v4.1: 912 of 1,614,018 alleles (0.057%); highest among the groups gnomAD compares: South Asian, 0.096%; 2 homozygotes.

Submissions (6):

CeGaT Center for Human Genetics Tuebingen
Classification: Likely benign. Last evaluated: 2026-04-01. Review status: criteria provided, single submitter. Criteria: CeGaT Center For Human Genetics Tuebingen Variant Classification Criteria Version 2. Collection method: clinical testing. Allele origin: germline. Affected: yes. Observed: 1 variant allele.
Comment: TRIP11: BP4, BP7

Labcorp Genetics (formerly Invitae), Labcorp
Classification: Likely benign for Achondrogenesis, type IA. Last evaluated: 2025-10-03. Review status: criteria provided, single submitter. Criteria: Invitae Variant Classification Sherloc (09022015). Collection method: clinical testing. Allele origin: germline.

Women's Health and Genetics/Laboratory Corporation of America, LabCorp
Classification: Likely benign. Last evaluated: 2024-10-30. Review status: criteria provided, single submitter. Criteria: LabCorp Variant Classification Summary - May 2015. Collection method: clinical testing. Allele origin: germline.

ARUP Laboratories, Molecular Genetics and Genomics, ARUP Laboratories
Classification: Likely benign. Last evaluated: 2024-08-23. Review status: criteria provided, single submitter. Criteria: ARUP Molecular Germline Variant Investigation Process 2024. Collection method: clinical testing. Allele origin: germline.

Illumina Laboratory Services, Illumina
Classification: Uncertain significance for Achondrogenesis, type IA. Last evaluated: 2018-01-13. Review status: criteria provided, single submitter. Criteria: ICSL Variant Classification Criteria 13 December 2019. Collection method: clinical testing. Allele origin: germline.

Eurofins Ntd Llc (ga)
Classification: Uncertain significance. Last evaluated: 2015-09-25. Review status: criteria provided, single submitter. Criteria: EGL Classification Definitions 2015. Collection method: clinical testing. Allele origin: germline. Observed: 1 variant allele, 1 heterozygote.

NM_004239.4(TRIP11):c.4620T>C (p.Val1540=)

Gene: TRIP11 (thyroid hormone receptor interactor 11; minus strand). Cytogenetic location: 14q32.12.
Variant type: single nucleotide variant.
Coding change: c.4620T>C on transcript NM_004239.4 (MANE Select); coding-DNA position 4620, T replaced by C.
Protein change: p.Val1540=; no amino-acid change (valine 1540 retained).
Molecular consequence: synonymous variant.
Genome position (GRCh38, 1-based): chr14:92,000,046, A>G on the plus strand (T>C on the coding strand, the complement: TRIP11 is on the minus strand). VCF-style: chr14-92000046-A-G. GRCh37 (hg19) VCF-style: chr14-92466390-A-G.
Other names: c.4617T>C, p.Val1539= (NM_001321851.1).
Identifiers: ClinVar variation 283129 (VCV000283129.24), dbSNP rs72705400, ClinGen allele CA7313405.
Genomic context (GRCh38, chr14:92,000,046, plus strand): 5'-ATTTTCCATTTGTTTTTGTTTCAGGGCCAACATGACTTGGTCTCTCTCCTGTTGAAACAC[A>G]ACTGTCTTCTCCTGCATTGATTTAACTGCATTTAAAAGCTGATTTAACTCTCCAGTCTTG-3'
Protein context (NP_004230.2, residues 1530-1550): NAVKSMQEKT[Val1540=]VFQQERDQVM